The following is an entry in ClinVar:

ClinVar aggregate classification (germline): Uncertain significance (1 of 4 stars; one submission).

gnomAD v4.1: 1 of 1,604,994 alleles (0.000062%); highest among the groups gnomAD compares: Non-Finnish European, 0.000085%; no homozygotes.

Submission:

GeneDx
Classification: Uncertain significance. Last evaluated: 2025-08-08. Review status: criteria provided, single submitter. Criteria: GeneDx Variant Classification Process June 2021. Collection method: clinical testing. Allele origin: germline. Affected: yes.
Comment: Not observed at significant frequency in large population cohorts (gnomAD); In silico analysis supports that this missense variant has a deleterious effect on protein structure/function; Has not been previously published as pathogenic or benign to our knowledge

NM_014712.3(SETD1A):c.1949C>G (p.Pro650Arg)

Gene: SETD1A (SET domain containing 1A, histone lysine methyltransferase; plus strand). Cytogenetic location: 16p11.2.
Variant type: single nucleotide variant.
Coding change: c.1949C>G on transcript NM_014712.3 (MANE Select); coding-DNA position 1949, C replaced by G.
Protein change: p.Pro650Arg; replaces proline 650 with arginine.
Molecular consequence: missense variant.
Genome position (GRCh38, 1-based): chr16:30,965,830, C>G. VCF-style: chr16-30965830-C-G. GRCh37 (hg19) VCF-style: chr16-30977151-C-G.
Other names: short protein forms P650R.
Identifiers: ClinVar variation 4795543 (VCV004795543.1).